The following is an entry in ClinVar:

NC_000015.9:g.(?_32964879)_(91358519_?)dup

Genes: GALK2 (galactokinase 2; plus strand), USP3 (ubiquitin specific peptidase 3; plus strand), AP4E1 (adaptor related protein complex 4 subunit epsilon 1; plus strand), NTRK3 (neurotrophic receptor tyrosine kinase 3; minus strand), MPI (mannose phosphate isomerase; plus strand) and 469 more. Cytogenetic location: 15q13.3-26.1.
Variant type: Duplication.
Identifiers: ClinVar variation 1024934 (VCV001024934.4).

ClinVar aggregate classification (germline): Uncertain significance. Review status: criteria provided, single submitter (1 of 4 stars). 2 submissions from 1 submitter: Uncertain significance (2). Last evaluated 2020-02-06.

Conditions:
Familial colorectal cancer. Identifiers: MedGen CN280943, MONDO:0023113. Disease mechanism: loss of function.
Bloom syndrome (BLM). Also called: Bloom-Torre-Machacek syndrome. Identifiers: Orphanet 125, MedGen C0005859, MONDO:0008876, OMIM 210900.

Submissions (2):

Labcorp Genetics (formerly Invitae), Labcorp
Classification: Uncertain significance for Familial colorectal cancer. Last evaluated: 2020-02-06. Review status: criteria provided, single submitter. Criteria: Invitae Variant Classification Sherloc (09022015). Collection method: clinical testing. Allele origin: germline.
Comment: In summary, the available evidence is currently insufficient to determine the role of this variant in disease. Therefore, it has been classified as a Variant of Uncertain Significance. Experimental studies and prediction algorithms are not available or were not evaluated, and the functional significance of this variant is currently unknown. This variant has not been reported in the literature in individuals with GREM1-related conditions. This variant results in a copy number gain of the genomic region encompassing the full coding sequence of the GREM1 gene. The boundaries of this event are unknown as they extend beyond the assayed region for this gene and therefore may encompass additional genes. As the precise location of this event is unknown, it may be in tandem or it may be located elsewhere in the genome.

Labcorp Genetics (formerly Invitae), Labcorp
Classification: Uncertain significance for Bloom syndrome. Last evaluated: 2020-02-06. Review status: criteria provided, single submitter. Criteria: Invitae Variant Classification Sherloc (09022015). Collection method: clinical testing. Allele origin: germline.
Comment: This variant results in a copy number gain of the genomic region encompassing the full coding sequence of the BLM gene. The boundaries of this event are unknown as they extend beyond the assayed region for this gene and therefore may encompass additional genes. As the precise location of this event is unknown, it may be in tandem or it may be located elsewhere in the genome. This variant has not been reported in the literature in individuals with BLM-related conditions. Experimental studies and prediction algorithms are not available or were not evaluated, and the functional significance of this variant is currently unknown. In summary, the available evidence is currently insufficient to determine the role of this variant in disease. Therefore, it has been classified as a Variant of Uncertain Significance.